The following is an entry in ClinVar:

ClinVar aggregate classification (germline): Benign (1 of 4 stars; one submission).

gnomAD v4.1: 14,063 of 1,614,046 alleles (0.87%); highest among the groups gnomAD compares: Non-Finnish European, 1.1%; 82 homozygotes.

Submission:

CeGaT Center for Human Genetics Tuebingen
Classification: Benign. Last evaluated: 2025-03-01. Review status: criteria provided, single submitter. Criteria: CeGaT Center For Human Genetics Tuebingen Variant Classification Criteria Version 2. Collection method: clinical testing. Allele origin: germline. Affected: yes. Observed: 1 variant allele.
Comment: OAS3: BS1, BS2

NM_006187.4(OAS3):c.312G>A (p.Ser104=)

Gene: OAS3 (2'-5'-oligoadenylate synthetase 3; plus strand). Cytogenetic location: 12q24.13.
Variant type: single nucleotide variant.
Coding change: c.312G>A on transcript NM_006187.4 (MANE Select); coding-DNA position 312, G replaced by A.
Protein change: p.Ser104=; no amino-acid change (serine 104 retained).
Molecular consequence: synonymous variant.
Genome position (GRCh38, 1-based): chr12:112,941,704, G>A. VCF-style: chr12-112941704-G-A. GRCh37 (hg19) VCF-style: chr12-113379509-G-A.
Other names: c.312G>A, p.Ser104= (NM_001410984.1).
Identifiers: ClinVar variation 3777781 (VCV003777781.7).